The following is an entry in ClinVar:

ClinVar aggregate classification (germline): Pathogenic/Likely pathogenic. Review status: criteria provided, multiple submitters, no conflicts (2 of 4 stars). 3 submissions from 3 submitters: Pathogenic (1); Likely pathogenic (2). Last evaluated 2025-05-23.

Conditions:
Osteogenesis imperfecta (OI). Identifiers: Orphanet 666, MedGen C0029434, MeSH D010013, MONDO:0019019.
Osteogenesis imperfecta type I (OI1). Also called: OI, TYPE I; OSTEOGENESIS IMPERFECTA TARDA; OSTEOGENESIS IMPERFECTA WITH BLUE SCLERAE; Osteogenesis imperfecta type 1; Lobstein's Disease; Lobstein disease. Identifiers: Orphanet 216796, Orphanet 666, MedGen C0023931, MONDO:0008146, OMIM 166200. Disease mechanism: loss of function.
Osteogenesis imperfecta with normal sclerae, dominant form (OI4). Also called: OSTEOGENESIS IMPERFECTA WITH NORMAL SCLERAE; Osteogenesis imperfecta type 4; OSTEOGENESIS IMPERFECTA, TYPE IV, WITH DENTINOGENESIS IMPERFECTA; Osteogenesis Imperfecta Type IV; Common Variable Osteogenesis Imperfecta with Normal Sclerae. Identifiers: Orphanet 216820, Orphanet 666, MedGen C0268363, MONDO:0008148, OMIM 166220.

Submissions (3):

Clinical Biomedical Laboratory, Shriners Hospital For Children - Canada
Classification: Likely pathogenic for Osteogenesis imperfecta with normal sclerae, dominant form. Last evaluated: 2025-05-23. Review status: criteria provided, single submitter. Criteria: ACMG Guidelines, 2015. Collection method: clinical testing. Allele origin: germline. Affected: yes.
Comment: This variant is predicted to substitute a glycine residue by a alanine residue. This variant is absent from the Genome Aggregation Database (v2.1.1). The variant is predicted to be deleterious to protein function (Revel 0.99). The variant has been published as a cause of osteogensis imperfecta (PMID: 30715774).

Genetics Department, Polish Mother's Memorial Hospital Research Institute
Classification: Likely pathogenic for Osteogenesis imperfecta. Last evaluated: 2020-04-06. Review status: criteria provided, single submitter. Criteria: ACMG Guidelines, 2015. Collection method: research. Allele origin: maternal. Affected: yes. Observed: 2 variant alleles.

Labcorp Genetics (formerly Invitae), Labcorp
Classification: Pathogenic for Osteogenesis imperfecta type I. Last evaluated: 2020-02-29. Review status: criteria provided, single submitter. Criteria: Invitae Variant Classification Sherloc (09022015). Collection method: clinical testing. Allele origin: germline.
Comment: This sequence change replaces glycine with alanine at codon 368 of the COL1A1 protein (p.Gly368Ala). The glycine residue is highly conserved and there is a small physicochemical difference between glycine and alanine. This variant is not present in population databases (ExAC no frequency). This variant has been observed in individual(s) with clinical features of osteogenesis imperfecta (PMID: 30715774, Invitae). This missense change is located within a functionally conserved triple helix domain of the COL1A1 protein and variants that affect the glycine residue in Gly-Xaa-Yaa repeats of the collagen triple helix are known to disrupt protein folding and stability (PMID: 8218237, 7695699). For these reasons, this variant has been classified as Pathogenic.

Literature cited by the submitters: PubMed 30715774 (cited by Clinical Biomedical Laboratory, Shriners Hospital For Children - Canada and Labcorp Genetics (formerly Invitae), Labcorp); PubMed 8218237 (cited by Labcorp Genetics (formerly Invitae), Labcorp); PubMed 7695699 (cited by Labcorp Genetics (formerly Invitae), Labcorp).

NM_000088.4(COL1A1):c.1103G>C (p.Gly368Ala)

Gene: COL1A1 (collagen type I alpha 1 chain; minus strand). Cytogenetic location: 17q21.33.
Variant type: single nucleotide variant.
Coding change: c.1103G>C on transcript NM_000088.4 (MANE Select); coding-DNA position 1103, G replaced by C.
Protein change: p.Gly368Ala; replaces glycine 368 with alanine.
Molecular consequence: missense variant.
Genome position (GRCh38, 1-based): chr17:50,195,619, C>G on the plus strand (G>C on the coding strand, the complement: COL1A1 is on the minus strand). VCF-style: chr17-50195619-C-G. GRCh37 (hg19) VCF-style: chr17-48272980-C-G.
Other names: short protein forms G368A.
Identifiers: ClinVar variation 456728 (VCV000456728.13), dbSNP rs1555574151, ClinGen allele CA400219930.